The following is an entry in ClinVar:

ClinVar aggregate classification (germline): Uncertain significance. Review status: criteria provided, multiple submitters, no conflicts (2 of 4 stars). 2 submissions from 2 submitters: Uncertain significance (2). Last evaluated 2025-10-21.

Conditions:
Aortic aneurysm, familial thoracic 7 (AAT7). Also called: AORTIC DISSECTION, FAMILIAL, WITH OR WITHOUT AORTIC ANEURYSM. Identifiers: MedGen C3151077, MONDO:0013418, OMIM 613780.

Allele frequency attached by ClinVar (database versions not stated): gnomAD exomes below 0.00001; ExAC 0.00001.
gnomAD v4.1: 3 of 1,614,052 alleles (0.00019%); highest among the groups gnomAD compares: Non-Finnish European, 0.00025%; no homozygotes.

Submissions (2):

Labcorp Genetics (formerly Invitae), Labcorp
Classification: Uncertain significance for Aortic aneurysm, familial thoracic 7. Last evaluated: 2025-10-21. Review status: criteria provided, single submitter. Criteria: Invitae Variant Classification Sherloc (09022015). Collection method: clinical testing. Allele origin: germline.
Comment: This sequence change replaces aspartic acid, which is acidic and polar, with glycine, which is neutral and non-polar, at codon 1056 of the MYLK protein (p.Asp1056Gly). This variant is present in population databases (no rsID available, gnomAD 0.0009%). This variant has not been reported in the literature in individuals affected with MYLK-related conditions. ClinVar contains an entry for this variant (Variation ID: 1330704). Invitae Evidence Modeling of protein sequence and biophysical properties (such as structural, functional, and spatial information, amino acid conservation, physicochemical variation, residue mobility, and thermodynamic stability) indicates that this missense variant is not expected to disrupt MYLK protein function with a negative predictive value of 80%. In summary, the available evidence is currently insufficient to determine the role of this variant in disease. Therefore, it has been classified as a Variant of Uncertain Significance.

ARUP Laboratories, Molecular Genetics and Genomics, ARUP Laboratories
Classification: Uncertain significance. Last evaluated: 2021-07-30. Review status: criteria provided, single submitter. Criteria: ARUP Molecular Germline Variant Investigation Process 2021. Collection method: clinical testing. Allele origin: germline.
Comment: The MYLK c.3167A>G; p.Asp1056Gly variant (rs1553803351), to our knowledge, is not reported in the medical literature or gene specific databases. This variant is only observed on one allele in the Genome Aggregation Database, indicating it is not a common polymorphism. The Asp at codon 1056 is weakly conserved, but computational analyses predict that this variant is neutral (REVEL: 0.037). Due to limited information, the clinical significance of the p.Asp1056Gly variant is uncertain at this time.

NM_053025.4(MYLK):c.3167A>G (p.Asp1056Gly)

Gene: MYLK (myosin light chain kinase; minus strand). Cytogenetic location: 3q21.1.
Variant type: single nucleotide variant.
Coding change: c.3167A>G on transcript NM_053025.4 (MANE Select); coding-DNA position 3167, A replaced by G.
Protein change: p.Asp1056Gly; replaces aspartic acid 1056 with glycine.
Molecular consequence: missense variant.
Genome position (GRCh38, 1-based): chr3:123,700,301, T>C on the plus strand (A>G on the coding strand, the complement: MYLK is on the minus strand). VCF-style: chr3-123700301-T-C. GRCh37 (hg19) VCF-style: chr3-123419148-T-C.
Other names: c.2639A>G, p.Asp880Gly (NM_001321309.2); c.2960A>G, p.Asp987Gly (NM_053026.4, NM_053028.4); c.3167A>G, p.Asp1056Gly (NM_053027.4); short protein forms D1056G, D880G, D987G.
Identifiers: ClinVar variation 1330704 (VCV001330704.8), dbSNP rs1553803351, ClinGen allele CA2577961.